The following is an entry in ClinVar:

ClinVar aggregate classification (germline): Uncertain significance (1 of 4 stars; one submission).

Conditions:
Tuberous sclerosis 2 (TSC2). Identifiers: Orphanet 805, MedGen C1860707, MONDO:0013199, OMIM 613254.

Submission:

Labcorp Genetics (formerly Invitae), Labcorp
Classification: Uncertain significance for Tuberous sclerosis 2. Last evaluated: 2023-11-21. Review status: criteria provided, single submitter. Criteria: Invitae Variant Classification Sherloc (09022015). Collection method: clinical testing. Allele origin: germline.
Comment: This sequence change replaces glycine, which is neutral and non-polar, with valine, which is neutral and non-polar, at codon 1577 of the TSC2 protein (p.Gly1577Val). This variant is not present in population databases (gnomAD no frequency). This variant has not been reported in the literature in individuals affected with TSC2-related conditions. ClinVar contains an entry for this variant (Variation ID: 1396798). Advanced modeling of protein sequence and biophysical properties (such as structural, functional, and spatial information, amino acid conservation, physicochemical variation, residue mobility, and thermodynamic stability) has been performed at Invitae for this missense variant, however the output from this modeling did not meet the statistical confidence thresholds required to predict the impact of this variant on TSC2 protein function. In summary, the available evidence is currently insufficient to determine the role of this variant in disease. Therefore, it has been classified as a Variant of Uncertain Significance.

NM_000548.5(TSC2):c.4730G>T (p.Gly1577Val)

Gene: TSC2 (TSC complex subunit 2; plus strand). Cytogenetic location: 16p13.3.
Variant type: single nucleotide variant.
Coding change: c.4730G>T on transcript NM_000548.5 (MANE Select); coding-DNA position 4730, G replaced by T.
Protein change: p.Gly1577Val; replaces glycine 1577 with valine.
Molecular consequence: missense variant.
Genome position (GRCh38, 1-based): chr16:2,086,260, G>T. VCF-style: chr16-2086260-G-T. GRCh37 (hg19) VCF-style: chr16-2136261-G-T.
Other names: c.4529G>T, p.Gly1510Val (NM_001077183.3); c.4661G>T, p.Gly1554Val (NM_001114382.3); c.4421G>T, p.Gly1474Val (NM_001318827.2); c.4385G>T, p.Gly1462Val (NM_001318829.2); c.3998G>T, p.Gly1333Val (NM_001318831.2); c.4562G>T, p.Gly1521Val (NM_001318832.2); c.4532G>T, p.Gly1511Val (NM_001363528.2); c.4598G>T, p.Gly1533Val (NM_001370404.1); and 1 more; short protein forms G1333V, G1462V, G1554V, G1474V, G1510V, G1511V, G1534V, G1521V.
Identifiers: ClinVar variation 1396798 (VCV001396798.6), dbSNP rs2151571979, ClinGen allele CA394307577.
Genomic context (GRCh38, chr16:2,086,260, plus strand): 5'-GCGAGCTCGCCATCCTGTCCAATGAGCATGGCTCCTACAGGTACACGGAGTTCCTGACGG[G>T]CCTGGGCCGGCTCATCGAGCTGAAGGACTGCCAGCCGGACAAGGTGTACCTGGGAGGCCT-3'
Protein context (NP_000539.2, residues 1567-1587): GSYRYTEFLT[Gly1577Val]LGRLIELKDC